The following is an entry in ClinVar:

NM_080680.3(COL11A2):c.5071-7C>T

Gene: COL11A2 (collagen type XI alpha 2 chain; minus strand). Cytogenetic location: 6p21.32.
Variant type: single nucleotide variant.
Coding change: c.5071-7C>T on transcript NM_080680.3 (MANE Select); 7 bases into the intron before coding-DNA position 5071, C replaced by T.
Molecular consequence: intron variant.
Genome position (GRCh38, 1-based): chr6:33,163,825, G>A on the plus strand (C>T on the coding strand, the complement: COL11A2 is on the minus strand). VCF-style: chr6-33163825-G-A. GRCh37 (hg19) VCF-style: chr6-33131602-G-A.
Other names: c.4750-7C>T (NM_080679.3); c.4813-7C>T (NM_080681.3).
Identifiers: ClinVar variation 2072538 (VCV002072538.18), dbSNP rs200548977, ClinGen allele CA3749913.

ClinVar aggregate classification (germline): Likely benign. Review status: criteria provided, multiple submitters, no conflicts (2 of 4 stars). 2 submissions from 2 submitters: Likely benign (2). Last evaluated 2024-09-01.

Allele frequency attached by ClinVar (database versions not stated): 1000 Genomes Project 0.00020; 1000 Genomes Project 30x 0.00031.
gnomAD v4.1: 8 of 1,612,908 alleles (0.0005%); highest among the groups gnomAD compares: Admixed American, 0.0033%; no homozygotes.

Submissions (2):

CeGaT Center for Human Genetics Tuebingen
Classification: Likely benign. Last evaluated: 2024-09-01. Review status: criteria provided, single submitter. Criteria: CeGaT Center For Human Genetics Tuebingen Variant Classification Criteria Version 2. Collection method: clinical testing. Allele origin: germline. Affected: yes. Observed: 1 variant allele.
Comment: COL11A2: BP4

Labcorp Genetics (formerly Invitae), Labcorp
Classification: Likely benign. Last evaluated: 2022-11-01. Review status: criteria provided, single submitter. Criteria: Invitae Variant Classification Sherloc (09022015). Collection method: clinical testing. Allele origin: germline.